The following is an entry in ClinVar:

NM_001131016.2(CIZ1):c.536G>A (p.Arg179Gln)

Gene: CIZ1 (CDKN1A interacting zinc finger protein 1; minus strand). Cytogenetic location: 9q34.11.
Variant type: single nucleotide variant.
Coding change: c.536G>A on transcript NM_001131016.2 (MANE Select); coding-DNA position 536, G replaced by A.
Protein change: p.Arg179Gln; replaces arginine 179 with glutamine.
Molecular consequence: missense variant.
Genome position (GRCh38, 1-based): chr9:128,185,599, C>T on the plus strand (G>A on the coding strand, the complement: CIZ1 is on the minus strand). VCF-style: chr9-128185599-C-T. GRCh37 (hg19) VCF-style: chr9-130947878-C-T.
Other names: c.536G>A, p.Arg179Gln (NM_001131015.2, NM_001131017.2, NM_012127.3); c.464G>A, p.Arg155Gln (NM_001131018.2); c.626G>A, p.Arg209Gln (NM_001257975.2); c.233G>A, p.Arg78Gln (NM_001257976.2); short protein forms R209Q, R155Q, R179Q, R78Q.
Identifiers: ClinVar variation 1363326 (VCV001363326.8), dbSNP rs1832262664, ClinGen allele CA375001340.

ClinVar aggregate classification (germline): Uncertain significance (1 of 4 stars; one submission).

Conditions:
Dystonic disorder. Also called: Dystonia. Identifiers: MedGen C0013421, MONDO:0003441, HP:0001332.

Allele frequency attached by ClinVar (database versions not stated): TOPMed below 0.00001.
gnomAD v4.1: 6 of 1,534,254 alleles (0.00039%); highest among the groups gnomAD compares: Middle Eastern, 0.018%; no homozygotes.

Submission:

Labcorp Genetics (formerly Invitae), Labcorp
Classification: Uncertain significance for Dystonic disorder. Last evaluated: 2021-06-21. Review status: criteria provided, single submitter. Criteria: Invitae Variant Classification Sherloc (09022015). Collection method: clinical testing. Allele origin: germline.
Comment: This sequence change replaces arginine with glutamine at codon 179 of the CIZ1 protein (p.Arg179Gln). The arginine residue is highly conserved and there is a small physicochemical difference between arginine and glutamine. This variant is not present in population databases (ExAC no frequency). This variant has not been reported in the literature in individuals with CIZ1-related conditions. Algorithms developed to predict the effect of missense changes on protein structure and function (SIFT, PolyPhen-2, Align-GVGD) all suggest that this variant is likely to be disruptive, but these predictions have not been confirmed by published functional studies and their clinical significance is uncertain. In summary, the available evidence is currently insufficient to determine the role of this variant in disease. Therefore, it has been classified as a Variant of Uncertain Significance.